The following is an entry in ClinVar:

NM_012330.4(KAT6B):c.4033GAT[1] (p.Asp1346del)

Gene: KAT6B (lysine acetyltransferase 6B; plus strand). Cytogenetic location: 10q22.2.
Variant type: Microsatellite.
Coding change: c.4033GAT[1] on transcript NM_012330.4 (MANE Select); one copy of the 3-base unit GAT starting at c.4033; the reference has two copies in a row; one copy, 3 bases deleted.
Protein change: p.Asp1346del; deletes aspartic acid 1346.
Molecular consequence: inframe deletion.
Genome position (GRCh38, 1-based): chr10:75,028,860-75,028,862, GAT deleted; deleting any 3 consecutive bases within chr10:75,028,857-75,028,862 gives the same sequence; the position shown is the placement nearest the transcript's 3' end. VCF-style (leftmost placement, unchanged base first): chr10-75028856-AGAT-A. GRCh37 (hg19) VCF-style: chr10-76788614-AGAT-A.
Other names: c.3484GAT[1], p.Asp1163del (NM_001256468.2, NM_001370138.1); c.3157GAT[1], p.Asp1054del (NM_001256469.2, NM_001370139.1, NM_001370140.1 and 2 more transcripts); c.2995GAT[1], p.Asp1000del (NM_001370132.1); c.2344GAT[1], p.Asp783del (NM_001370133.1); c.1948GAT[1], p.Asp651del (NM_001370134.1); c.1690GAT[1], p.Asp565del (NM_001370135.1); c.4033GAT[1], p.Asp1346del (NM_001370136.1, NM_001370137.1); c.2968GAT[1], p.Asp991del (NM_001370143.1, NM_001370144.1); short protein forms D1000del, D651del, D783del, D1054del, D991del, D565del, D1163del, D1346del.
Identifiers: ClinVar variation 2746659 (VCV002746659.3), dbSNP rs2549199096, ClinGen allele CA2697558498.

ClinVar aggregate classification (germline): Uncertain significance (1 of 4 stars; one submission).

Conditions:
Genitopatellar syndrome (GTPTS). Also called: ABSENT PATELLAE, SCROTAL HYPOPLASIA, RENAL ANOMALIES, FACIAL DYSMORPHISM, AND MENTAL RETARDATION; Genitopatellar syndrome (GPS). Identifiers: Orphanet 85201, MedGen C1853566, MONDO:0011640, OMIM 606170.

Submission:

Labcorp Genetics (formerly Invitae), Labcorp
Classification: Uncertain significance for Genitopatellar syndrome. Last evaluated: 2023-10-07. Review status: criteria provided, single submitter. Criteria: Invitae Variant Classification Sherloc (09022015). Collection method: clinical testing. Allele origin: germline.
Comment: This variant, c.4036_4038del, results in the deletion of 1 amino acid(s) of the KAT6B protein (p.Asp1346del), but otherwise preserves the integrity of the reading frame. This variant is not present in population databases (gnomAD no frequency). This variant has not been reported in the literature in individuals affected with KAT6B-related conditions. Experimental studies and prediction algorithms are not available or were not evaluated, and the functional significance of this variant is currently unknown. In summary, the available evidence is currently insufficient to determine the role of this variant in disease. Therefore, it has been classified as a Variant of Uncertain Significance.